The following is an entry in ClinVar:

NM_001040142.2(SCN2A):c.*2364T>G

Gene: SCN2A (sodium voltage-gated channel alpha subunit 2; plus strand). Cytogenetic location: 2q24.3.
Variant type: single nucleotide variant.
Coding change: c.*2364T>G on transcript NM_001040142.2 (MANE Select); 2364 bases downstream of the stop codon, T replaced by G.
Molecular consequence: 3 prime UTR variant.
Genome position (GRCh38, 1-based): chr2:165,392,188, T>G. VCF-style: chr2-165392188-T-G. GRCh37 (hg19) VCF-style: chr2-166248698-T-G.
Other names: c.*2364T>G (NM_001040143.2, NM_001371246.1, NM_001371247.1 and 1 more transcripts).
Identifiers: ClinVar variation 331764 (VCV000331764.5), dbSNP rs73969402, ClinGen allele CA10612683.

ClinVar aggregate classification (germline): Benign (1 of 4 stars; one submission).

Conditions:
Seizures, benign familial infantile, 3 (BFIS3). Also called: CONVULSIONS, BENIGN FAMILIAL INFANTILE, 3; Familial neonatal seizures. Identifiers: Orphanet 140927, Orphanet 306, MedGen C1843140, MONDO:0011904, OMIM 607745.

Allele frequency attached by ClinVar (database versions not stated): 1000 Genomes Project 0.01637; 1000 Genomes Project 30x 0.01655; gnomAD 0.01800 and 0.01942; TOPMed 0.02081.

Submission:

Illumina Laboratory Services, Illumina
Classification: Benign for Seizures, benign familial infantile, 3. Last evaluated: 2018-01-12. Review status: criteria provided, single submitter. Criteria: ICSL Variant Classification Criteria 13 December 2019. Collection method: clinical testing. Allele origin: germline.
Comment: This variant was observed in the ICSL laboratory as part of a predisposition screen in an ostensibly healthy population. It had not been previously curated by ICSL or reported in the Human Gene Mutation Database (HGMD: prior to June 1st, 2018), and was therefore a candidate for classification through an automated scoring system. Utilizing variant allele frequency, disease prevalence and penetrance estimates, and inheritance mode, an automated score was calculated to assess if this variant is too frequent to cause the disease. Based on the score and internal cut-off values, a variant classified as benign is not then subjected to further curation. The score for this variant resulted in a classification of benign for this disease.